The following is an entry in ClinVar:

ClinVar aggregate classification (germline): Uncertain significance. Review status: criteria provided, multiple submitters, no conflicts (2 of 4 stars). 2 submissions from 2 submitters: Uncertain significance (2). Last evaluated 2025-10-22.

Conditions:
Inborn genetic diseases. Identifiers: MedGen C0950123, MeSH D030342.

Allele frequency attached by ClinVar (database versions not stated): gnomAD 0.00001; TOPMed 0.00001; ExAC 0.00004; gnomAD exomes 0.00005.
gnomAD v4.1: 83 of 1,613,896 alleles (0.0051%); highest among the groups gnomAD compares: Non-Finnish European, 0.0063%; no homozygotes.

Submissions (2):

Ambry Genetics
Classification: Uncertain significance for Inborn genetic diseases. Last evaluated: 2025-10-22. Review status: criteria provided, single submitter. Criteria: Ambry Variant Classification Scheme 2023. Collection method: clinical testing. Allele origin: germline.

Labcorp Genetics (formerly Invitae), Labcorp
Classification: Uncertain significance. Last evaluated: 2024-10-25. Review status: criteria provided, single submitter. Criteria: Invitae Variant Classification Sherloc (09022015). Collection method: clinical testing. Allele origin: germline.
Comment: This sequence change replaces methionine, which is neutral and non-polar, with valine, which is neutral and non-polar, at codon 2187 of the BPTF protein (p.Met2187Val). This variant is present in population databases (rs749235670, gnomAD 0.006%). This variant has not been reported in the literature in individuals affected with BPTF-related conditions. ClinVar contains an entry for this variant (Variation ID: 2147731). An algorithm developed to predict the effect of missense changes on protein structure and function outputs the following: PolyPhen-2: "Benign". The valine amino acid residue is found in multiple mammalian species, which suggests that this missense change does not adversely affect protein function. In summary, the available evidence is currently insufficient to determine the role of this variant in disease. Therefore, it has been classified as a Variant of Uncertain Significance.

NM_182641.4(BPTF):c.6181A>G (p.Met2061Val)

Gene: BPTF (bromodomain PHD finger transcription factor; plus strand). Cytogenetic location: 17q24.2.
Variant type: single nucleotide variant.
Coding change: c.6181A>G on transcript NM_182641.4 (MANE Select); coding-DNA position 6181, A replaced by G.
Protein change: p.Met2061Val; replaces methionine 2061 with valine.
Molecular consequence: missense variant.
Genome position (GRCh38, 1-based): chr17:67,931,941, A>G. VCF-style: chr17-67931941-A-G. GRCh37 (hg19) VCF-style: chr17-65928057-A-G.
Other names: c.6559A>G, p.Met2187Val (NM_004459.7); c.6181A>G (NM_182641.3); short protein forms M2061V, M2187V.
Identifiers: ClinVar variation 2147731 (VCV002147731.4), dbSNP rs749235670, ClinGen allele CA8726129.
Genomic context (GRCh38, chr17:67,931,941, plus strand): 5'-TTAATTCATTGTTCTTTGTGTCATTTATAGGTAATCACAGGGCCTCAGATTCGCCCTGGT[A>G]TGACCGTGATTAGAACACCACTCCAACAGTCAACACTAGGAAAGGCAATTATTCGAACAC-3'
Protein context (NP_872579.2, residues 2051-2071): VITGPQIRPG[Met2061Val]TVIRTPLQQS